The following is an entry in ClinVar:

ClinVar aggregate classification (germline): Likely pathogenic (1 of 4 stars; one submission).

Allele frequency attached by ClinVar (database versions not stated): gnomAD exomes below 0.00001.
gnomAD v4.1: 1 of 1,611,638 alleles (0.000062%); highest among the groups gnomAD compares: Non-Finnish European, 0.000085%; no homozygotes.

Submission:

GeneDx
Classification: Likely pathogenic. Last evaluated: 2020-06-30. Review status: criteria provided, single submitter. Criteria: GeneDx Variant Classification Process June 2021. Collection method: clinical testing. Allele origin: germline. Affected: yes.
Comment: Not observed in large population cohorts (Lek et al., 2016); In silico analysis supports that this missense variant has a deleterious effect on protein structure/function; Has not been previously published as pathogenic or benign to our knowledge

NM_001845.6(COL4A1):c.3683G>T (p.Gly1228Val)

Gene: COL4A1 (collagen type IV alpha 1 chain; minus strand). Cytogenetic location: 13q34.
Variant type: single nucleotide variant.
Coding change: c.3683G>T on transcript NM_001845.6 (MANE Select); coding-DNA position 3683, G replaced by T.
Protein change: p.Gly1228Val; replaces glycine 1228 with valine.
Molecular consequence: missense variant.
Genome position (GRCh38, 1-based): chr13:110,170,606, C>A on the plus strand (G>T on the coding strand, the complement: COL4A1 is on the minus strand). VCF-style: chr13-110170606-C-A. GRCh37 (hg19) VCF-style: chr13-110822953-C-A.
Other names: short protein forms G1228V.
Identifiers: ClinVar variation 546139 (VCV000546139.4), dbSNP rs1555302449, ClinGen allele CA388662422.
Genomic context (GRCh38, chr13:110,170,606, plus strand): 5'-CCTGGCAGGCCAGGCTGGCCCTGAGGTCCGCGGTCTCCTTTGGGCCCCTCCGTGGCATGG[C>A]CTGGGGATCCCGGTAACCCCGGCTGTCCCTGGGGCCCCGGAGGACCCATGAATCCTTGCT-3'
Protein context (NP_001836.3, residues 1218-1238): QGQPGLPGSP[Gly1228Val]HATEGPKGDR